The following is an entry in ClinVar:

NM_005188.4(CBL):c.1231_1236del (p.Ser411_Glu412del)

Gene: CBL (Cbl proto-oncogene; plus strand). Cytogenetic location: 11q23.3.
Variant type: Deletion.
Coding change: c.1231_1236del on transcript NM_005188.4 (MANE Select); coding-DNA positions 1231 to 1236, 6 bases deleted (TCAGAA; older notation c.1231_1236delTCAGAA).
Protein change: p.Ser411_Glu412del.
Molecular consequence: inframe deletion.
Genome position (GRCh38, 1-based): chr11:119,278,513-119,278,518, TCAGAA deleted; deleting any 6 consecutive bases within chr11:119,278,510-119,278,518 gives the same sequence; the c. name uses the placement nearest the transcript's 3' end. VCF-style (leftmost placement, unchanged base first): chr11-119278509-GGAATCA-G. GRCh37 (hg19) VCF-style: chr11-119149219-GGAATCA-G.
Identifiers: ClinVar variation 1349984 (VCV001349984.6), dbSNP rs2135304373, ClinGen allele CA2573146915.

ClinVar aggregate classification (germline): Uncertain significance (1 of 4 stars; one submission).

Conditions:
RASopathy. Also called: rasopathies; Noonan spectrum disorder. Identifiers: Orphanet 536391, MedGen C5555857, MONDO:0021060.

Submission:

Labcorp Genetics (formerly Invitae), Labcorp
Classification: Uncertain significance for RASopathy. Last evaluated: 2021-11-06. Review status: criteria provided, single submitter. Criteria: Invitae Variant Classification Sherloc (09022015). Collection method: clinical testing. Allele origin: germline.
Comment: This variant has not been reported in the literature in individuals affected with CBL-related conditions. In summary, the available evidence is currently insufficient to determine the role of this variant in disease. Therefore, it has been classified as a Variant of Uncertain Significance. Experimental studies and prediction algorithms are not available or were not evaluated, and the functional significance of this variant is currently unknown. This variant is not present in population databases (gnomAD no frequency). This variant, c.1231_1236del, results in the deletion of 2 amino acid(s) of the CBL protein (p.Ser411_Glu412del), but otherwise preserves the integrity of the reading frame.